The following is an entry in ClinVar:

ClinVar aggregate classification (germline): Uncertain significance (1 of 4 stars; one submission).

Conditions:
Developmental and epileptic encephalopathy, 23 (DEE23). Also called: Epileptic encephalopathy, early infantile, 23. Identifiers: Orphanet 411986, MedGen C4014492, MONDO:0014371, OMIM 615859.

Submission:

Labcorp Genetics (formerly Invitae), Labcorp
Classification: Uncertain significance for Developmental and epileptic encephalopathy, 23. Last evaluated: 2022-08-22. Review status: criteria provided, single submitter. Criteria: Invitae Variant Classification Sherloc (09022015). Collection method: clinical testing. Allele origin: germline.
Comment: This sequence change replaces glutamic acid, which is acidic and polar, with glutamine, which is neutral and polar, at codon 1770 of the DOCK7 protein (p.Glu1770Gln). This variant is not present in population databases (gnomAD no frequency). This variant has not been reported in the literature in individuals affected with DOCK7-related conditions. Algorithms developed to predict the effect of missense changes on protein structure and function (SIFT, PolyPhen-2, Align-GVGD) all suggest that this variant is likely to be disruptive. In summary, the available evidence is currently insufficient to determine the role of this variant in disease. Therefore, it has been classified as a Variant of Uncertain Significance.

NM_001367561.1(DOCK7):c.5335G>C (p.Glu1779Gln)

Gene: DOCK7 (dedicator of cytokinesis 7; minus strand). Cytogenetic location: 1p31.3.
Variant type: single nucleotide variant.
Coding change: c.5335G>C on transcript NM_001367561.1 (MANE Select); coding-DNA position 5335, G replaced by C.
Protein change: p.Glu1779Gln; replaces glutamic acid 1779 with glutamine.
Molecular consequence: missense variant.
Genome position (GRCh38, 1-based): chr1:62,492,730, C>G on the plus strand (G>C on the coding strand, the complement: DOCK7 is on the minus strand). VCF-style: chr1-62492730-C-G. GRCh37 (hg19) VCF-style: chr1-62958401-C-G.
Other names: c.5308G>C, p.Glu1770Gln (NM_001271999.2, NM_001330614.2); c.5215G>C, p.Glu1739Gln (NM_001272000.2, NM_001272001.2); c.5242G>C, p.Glu1748Gln (NM_033407.4); short protein forms E1739Q, E1748Q, E1770Q, E1779Q.
Identifiers: ClinVar variation 1716255 (VCV001716255.6), dbSNP rs377610486, ClinGen allele CA340611149.